The following is an entry in ClinVar:

NM_138713.4(NFAT5):c.4547A>G (p.Asn1516Ser)

Gene: NFAT5 (nuclear factor of activated T cells 5; plus strand). Cytogenetic location: 16q22.1.
Variant type: single nucleotide variant.
Coding change: c.4547A>G on transcript NM_138713.4 (MANE Select); coding-DNA position 4547, A replaced by G.
Protein change: p.Asn1516Ser; replaces asparagine 1516 with serine.
Molecular consequence: missense variant.
Genome position (GRCh38, 1-based): chr16:69,695,268, A>G. VCF-style: chr16-69695268-A-G. GRCh37 (hg19) VCF-style: chr16-69729171-A-G.
Other names: c.4544A>G, p.Asn1515Ser (NM_001113178.3); c.3872A>G, p.Asn1291Ser (NM_001367709.1); c.4493A>G, p.Asn1498Ser (NM_006599.4); c.4265A>G, p.Asn1422Ser (NM_138714.4, NM_173214.3, NM_173215.3); short protein forms N1291S, N1422S, N1498S, N1515S, N1516S.
Identifiers: ClinVar variation 3626911 (VCV003626911.2).

ClinVar aggregate classification (germline): Uncertain significance (1 of 4 stars; one submission).

Conditions:
Immunodeficiency. Identifiers: MedGen C0021051, MONDO:0021094, HP:0002721.

gnomAD v4.1: 1 of 1,614,202 alleles (0.000062%); highest among the groups gnomAD compares: Admixed American, 0.0017%; no homozygotes.

Submission:

Labcorp Genetics (formerly Invitae), Labcorp
Classification: Uncertain significance for Immunodeficiency. Last evaluated: 2024-09-23. Review status: criteria provided, single submitter. Criteria: Invitae Variant Classification Sherloc (09022015). Collection method: clinical testing. Allele origin: germline.
Comment: This sequence change replaces asparagine, which is neutral and polar, with serine, which is neutral and polar, at codon 1422 of the NFAT5 protein (p.Asn1422Ser). This variant is present in population databases (no rsID available, gnomAD 0.003%). This variant has not been reported in the literature in individuals affected with NFAT5-related conditions. An algorithm developed to predict the effect of missense changes on protein structure and function outputs the following: PolyPhen-2: "Benign". The serine amino acid residue is found in multiple mammalian species, which suggests that this missense change does not adversely affect protein function. In summary, the available evidence is currently insufficient to determine the role of this variant in disease. Therefore, it has been classified as a Variant of Uncertain Significance.